The following is an entry in ClinVar:

NM_003978.5(PSTPIP1):c.869G>T (p.Arg290Leu)

Gene: PSTPIP1 (proline-serine-threonine phosphatase interacting protein 1; plus strand). Cytogenetic location: 15q24.3.
Variant type: single nucleotide variant.
Coding change: c.869G>T on transcript NM_003978.5 (MANE Select); coding-DNA position 869, G replaced by T.
Protein change: p.Arg290Leu; replaces arginine 290 with leucine.
Molecular consequence: missense variant. On other transcripts: intron variant (1).
Genome position (GRCh38, 1-based): chr15:77,032,892, G>T. VCF-style: chr15-77032892-G-T. GRCh37 (hg19) VCF-style: chr15-77325233-G-T.
Other names: c.842G>T, p.Arg281Leu (NM_001321136.2); c.1064G>T, p.Arg355Leu (NM_001321137.1); c.872+464G>T (NM_001321135.2); short protein forms R290L, R355L, R281L.
Identifiers: ClinVar variation 1373718 (VCV001373718.8), dbSNP rs761580488, ClinGen allele CA7676055.

ClinVar aggregate classification (germline): Uncertain significance (1 of 4 stars; one submission).

Conditions:
Pyogenic arthritis-pyoderma gangrenosum-acne syndrome (PAPA). Also called: FAMILIAL RECURRENT ARTHRITIS; PAPA SYNDROME. Identifiers: Orphanet 69126, MedGen C1858361, MONDO:0011462, OMIM 604416.

Allele frequency attached by ClinVar (database versions not stated): ExAC 0.00004.
gnomAD v4.1: 2 of 1,602,750 alleles (0.00012%); highest among the groups gnomAD compares: Non-Finnish European, 0.000085%; no homozygotes.

Submission:

Labcorp Genetics (formerly Invitae), Labcorp
Classification: Uncertain significance for Pyogenic arthritis-pyoderma gangrenosum-acne syndrome. Last evaluated: 2022-03-19. Review status: criteria provided, single submitter. Criteria: Invitae Variant Classification Sherloc (09022015). Collection method: clinical testing. Allele origin: germline.
Comment: In summary, the available evidence is currently insufficient to determine the role of this variant in disease. Therefore, it has been classified as a Variant of Uncertain Significance. Algorithms developed to predict the effect of missense changes on protein structure and function (SIFT, PolyPhen-2, Align-GVGD) all suggest that this variant is likely to be tolerated. This variant has not been reported in the literature in individuals affected with PSTPIP1-related conditions. This variant is present in population databases (rs761580488, gnomAD 0.001%). This sequence change replaces arginine, which is basic and polar, with leucine, which is neutral and non-polar, at codon 290 of the PSTPIP1 protein (p.Arg290Leu).